The following is an entry in ClinVar:

ClinVar aggregate classification (germline): Uncertain significance. Review status: criteria provided, multiple submitters, no conflicts (2 of 4 stars). 2 submissions from 2 submitters: Uncertain significance (2). Last evaluated 2024-06-18.

Conditions:
Inborn genetic diseases. Identifiers: MedGen C0950123, MeSH D030342.
Peroxisome biogenesis disorder 7A (Zellweger). Also called: Peroxisome biogenesis disorder 7A. Identifiers: Orphanet 912, MedGen C3888385, MONDO:0013938, OMIM 614872.
Peroxisome biogenesis disorder 7B (PBD7B). Identifiers: Orphanet 44, MedGen C3553951, MONDO:0013939, OMIM 614873.

Allele frequency attached by ClinVar (database versions not stated): gnomAD exomes below 0.00001 and 0.00001; TOPMed 0.00001.

Submissions (2):

Ambry Genetics
Classification: Uncertain significance for Inborn genetic diseases. Last evaluated: 2024-06-18. Review status: criteria provided, single submitter. Criteria: Ambry Variant Classification Scheme 2023. Collection method: clinical testing. Allele origin: germline.

Labcorp Genetics (formerly Invitae), Labcorp
Classification: Uncertain significance for Peroxisome biogenesis disorder 7A (Zellweger); Peroxisome biogenesis disorder 7B. Last evaluated: 2022-07-26. Review status: criteria provided, single submitter. Criteria: Invitae Variant Classification Sherloc (09022015). Collection method: clinical testing. Allele origin: germline.
Comment: This sequence change replaces leucine, which is neutral and non-polar, with valine, which is neutral and non-polar, at codon 250 of the PEX26 protein (p.Leu250Val). This variant is present in population databases (no rsID available, gnomAD 0.0009%). This variant has not been reported in the literature in individuals affected with PEX26-related conditions. ClinVar contains an entry for this variant (Variation ID: 1447831). Algorithms developed to predict the effect of missense changes on protein structure and function (SIFT, PolyPhen-2, Align-GVGD) all suggest that this variant is likely to be tolerated. In summary, the available evidence is currently insufficient to determine the role of this variant in disease. Therefore, it has been classified as a Variant of Uncertain Significance.

NM_001127649.3(PEX26):c.748C>G (p.Leu250Val)

Gene: PEX26 (peroxisomal biogenesis factor 26; plus strand). Cytogenetic location: 22q11.21.
Variant type: single nucleotide variant.
Coding change: c.748C>G on transcript NM_001127649.3 (MANE Select); coding-DNA position 748, C replaced by G.
Protein change: p.Leu250Val; replaces leucine 250 with valine.
Molecular consequence: missense variant. On other transcripts: intron variant (1).
Genome position (GRCh38, 1-based): chr22:18,085,192, C>G. VCF-style: chr22-18085192-C-G. GRCh37 (hg19) VCF-style: chr22-18567958-C-G.
Other names: c.748C>G, p.Leu250Val (NM_017929.6); c.667+1460C>G (NM_001199319.2); c.748C>G (NM_017929.5); short protein forms L250V.
Identifiers: ClinVar variation 1447831 (VCV001447831.6), dbSNP rs1049902849, ClinGen allele CA321290460.